The following is an entry in ClinVar:

NM_022041.4(GAN):c.487G>C (p.Asp163His)

Gene: GAN (gigaxonin; plus strand). Cytogenetic location: 16q23.2.
Variant type: single nucleotide variant.
Coding change: c.487G>C on transcript NM_022041.4 (MANE Select); coding-DNA position 487, G replaced by C.
Protein change: p.Asp163His; replaces aspartic acid 163 with histidine.
Molecular consequence: missense variant. On other transcripts: 5 prime UTR variant (1).
Genome position (GRCh38, 1-based): chr16:81,354,609, G>C. VCF-style: chr16-81354609-G-C. GRCh37 (hg19) VCF-style: chr16-81388214-G-C.
Other names: c.-153G>C (NM_001377486.1); short protein forms D163H.
Identifiers: ClinVar variation 853971 (VCV000853971.9), dbSNP rs1910424038, ClinGen allele CA396868589.

ClinVar aggregate classification (germline): Uncertain significance (1 of 4 stars; one submission).

Conditions:
Giant axonal neuropathy 1 (GAN1). Also called: GAN-Related Neurodegeneration; GIANT AXONAL NEUROPATHY 1, AUTOSOMAL RECESSIVE. Identifiers: Orphanet 643, MedGen C1850386, MONDO:0009749, OMIM 256850.

Submission:

Labcorp Genetics (formerly Invitae), Labcorp
Classification: Uncertain significance for Giant axonal neuropathy 1. Last evaluated: 2025-12-08. Review status: criteria provided, single submitter. Criteria: Invitae Variant Classification Sherloc (09022015). Collection method: clinical testing. Allele origin: germline.
Comment: This sequence change replaces aspartic acid, which is acidic and polar, with histidine, which is basic and polar, at codon 163 of the GAN protein (p.Asp163His). This variant is not present in population databases (gnomAD no frequency). This variant has not been reported in the literature in individuals affected with GAN-related conditions. ClinVar contains an entry for this variant (Variation ID: 853971). Invitae Evidence Modeling of protein sequence and biophysical properties (such as structural, functional, and spatial information, amino acid conservation, physicochemical variation, residue mobility, and thermodynamic stability) indicates that this missense variant is not expected to disrupt GAN protein function with a negative predictive value of 80%. In summary, the available evidence is currently insufficient to determine the role of this variant in disease. Therefore, it has been classified as a Variant of Uncertain Significance.